The following is an entry in ClinVar:

ClinVar aggregate classification (germline): Uncertain significance (1 of 4 stars; one submission).

Conditions:
Neuronopathy, distal hereditary motor, type 7A. Also called: Neuronopathy, distal hereditary motor, type viia; NEURONOPATHY, DISTAL HEREDITARY MOTOR, HARDING TYPE VIIA; NEUROPATHY, DISTAL HEREDITARY MOTOR, HARDING TYPE VIIA; Neuronopathy, distal hereditary motor, autosomal dominant 7; HARPER-YOUNG MYOPATHY; HMN VIIA. Identifiers: Orphanet 139589, MedGen C1834703, MONDO:0008024, OMIM 158580.
Congenital myasthenic syndrome 20. Also called: Myasthenic syndrome, congenital, 20, presynaptic. Identifiers: MedGen C4310694, MONDO:0014939, OMIM 617143.

Allele frequency attached by ClinVar (database versions not stated): gnomAD exomes 0.00001.
gnomAD v4.1: 7 of 1,613,916 alleles (0.00043%); highest among the groups gnomAD compares: Non-Finnish European, 0.00059%; no homozygotes.

Submission:

Labcorp Genetics (formerly Invitae), Labcorp
Classification: Uncertain significance for Neuronopathy, distal hereditary motor, type 7A; Congenital myasthenic syndrome 20. Last evaluated: 2023-10-05. Review status: criteria provided, single submitter. Criteria: Invitae Variant Classification Sherloc (09022015). Collection method: clinical testing. Allele origin: germline.
Comment: This sequence change replaces isoleucine, which is neutral and non-polar, with phenylalanine, which is neutral and non-polar, at codon 49 of the SLC5A7 protein (p.Ile49Phe). This variant is not present in population databases (gnomAD no frequency). This variant has not been reported in the literature in individuals affected with SLC5A7-related conditions. Advanced modeling of protein sequence and biophysical properties (such as structural, functional, and spatial information, amino acid conservation, physicochemical variation, residue mobility, and thermodynamic stability) performed at Invitae indicates that this missense variant is not expected to disrupt SLC5A7 protein function. In summary, the available evidence is currently insufficient to determine the role of this variant in disease. Therefore, it has been classified as a Variant of Uncertain Significance.

NM_021815.5(SLC5A7):c.145A>T (p.Ile49Phe)

Gene: SLC5A7 (solute carrier family 5 member 7; plus strand). Cytogenetic location: 2q12.3.
Variant type: single nucleotide variant.
Coding change: c.145A>T on transcript NM_021815.5 (MANE Select); coding-DNA position 145, A replaced by T.
Protein change: p.Ile49Phe; replaces isoleucine 49 with phenylalanine.
Molecular consequence: missense variant. On other transcripts: 5 prime UTR variant (1), intron variant (1).
Genome position (GRCh38, 1-based): chr2:107,988,300, A>T. VCF-style: chr2-107988300-A-T. GRCh37 (hg19) VCF-style: chr2-108604756-A-T.
Other names: c.145A>T, p.Ile49Phe (NM_001305005.3); c.-560A>T (NM_001305007.3); c.-138+1537A>T (NM_001305006.3); short protein forms I49F.
Identifiers: ClinVar variation 2929741 (VCV002929741.3), dbSNP rs2467051480, ClinGen allele CA348020051.